The following is an entry in ClinVar:

ClinVar aggregate classification (germline): Likely pathogenic (1 of 4 stars; one submission).

Conditions:
Early-infantile DEE. Also called: Early infantile epileptic encephalopathy; Ohtahara syndrome; Early infantile epileptic encephalopathy with suppression bursts. Identifiers: Orphanet 1934, MedGen C0393706, MONDO:0800491.

Submission:

Labcorp Genetics (formerly Invitae), Labcorp
Classification: Likely pathogenic for Early-infantile DEE. Last evaluated: 2022-09-06. Review status: criteria provided, single submitter. Criteria: Invitae Variant Classification Sherloc (09022015). Collection method: clinical testing. Allele origin: germline.
Comment: This variant is not present in population databases (gnomAD no frequency). This sequence change replaces alanine, which is neutral and non-polar, with threonine, which is neutral and polar, at codon 266 of the SCN8A protein (p.Ala266Thr). This missense change has been observed in individual(s) with clinical features of SCN8A-related conditions (Invitae). In at least one individual the variant was observed to be de novo. ClinVar contains an entry for this variant (Variation ID: 944708). Algorithms developed to predict the effect of missense changes on protein structure and function are either unavailable or do not agree on the potential impact of this missense change (SIFT: "Deleterious"; PolyPhen-2: "Probably Damaging"; Align-GVGD: "Class C0"). In summary, the currently available evidence indicates that the variant is pathogenic, but additional data are needed to prove that conclusively. Therefore, this variant has been classified as Likely Pathogenic.

NM_001330260.2(SCN8A):c.796G>A (p.Ala266Thr)

Gene: SCN8A (sodium voltage-gated channel alpha subunit 8; plus strand). Cytogenetic location: 12q13.13.
Variant type: single nucleotide variant.
Coding change: c.796G>A on transcript NM_001330260.2 (MANE Select); coding-DNA position 796, G replaced by A.
Protein change: p.Ala266Thr; replaces alanine 266 with threonine.
Molecular consequence: missense variant.
Genome position (GRCh38, 1-based): chr12:51,699,659, G>A. VCF-style: chr12-51699659-G-A. GRCh37 (hg19) VCF-style: chr12-52093443-G-A.
Other names: c.796G>A, p.Ala266Thr (NM_001177984.3, NM_001369788.1, NM_014191.4); short protein forms A266T.
Identifiers: ClinVar variation 944708 (VCV000944708.10), dbSNP rs1941650760, ClinGen allele CA385226541.
Genomic context (GRCh38, chr12:51,699,659, plus strand): 5'-CAGTCTGTGAAGAAACTGTCAGATGTGATGATCCTGACAGTGTTCTGCCTGAGTGTTTTT[G>A]CCTTGATCGGACTGCAGCTGTTCATGGGGAACCTTCGAAACAAGTGTGTTGTGTGGCCCA-3'
Protein context (NP_001317189.1, residues 256-276): ILTVFCLSVF[Ala266Thr]LIGLQLFMGN